The following is an entry in ClinVar:

ClinVar aggregate classification (germline): Likely benign. Review status: criteria provided, multiple submitters, no conflicts (2 of 4 stars). 6 submissions from 6 submitters: Likely benign (5). 1 of the submissions does not count toward it. Last evaluated 2026-02-03.

Conditions:
BLM-related disorder. Also called: BLM-related condition.
Hereditary cancer-predisposing syndrome. Also called: Neoplastic Syndromes, Hereditary; Tumor predisposition; Hereditary Cancer Syndrome; Hereditary neoplastic syndrome. Identifiers: Orphanet 140162, MedGen C0027672, MeSH D009386, MONDO:0015356.
Bloom syndrome (BLM). Also called: Bloom-Torre-Machacek syndrome. Identifiers: Orphanet 125, MedGen C0005859, MONDO:0008876, OMIM 210900.

Allele frequency attached by ClinVar (database versions not stated): 1000 Genomes Project below 0.00001; gnomAD exomes 0.00002 and 0.00020; gnomAD 0.00003 and 0.00004; TOPMed 0.00008; ExAC 0.00019.
gnomAD v4.1: 33 of 1,607,180 alleles (0.0021%); highest among the groups gnomAD compares: East Asian, 0.07%; no homozygotes.

Submissions (6):

Labcorp Genetics (formerly Invitae), Labcorp
Classification: Likely benign for Bloom syndrome. Last evaluated: 2026-02-03. Review status: criteria provided, single submitter. Criteria: Invitae Variant Classification Sherloc (09022015). Collection method: clinical testing. Allele origin: germline.

PreventionGenetics, part of Exact Sciences
Classification: Likely benign for BLM-related condition. Last evaluated: 2026-01-30. Review status: criteria provided, single submitter. Criteria: ACMG Guidelines, 2015. Collection method: clinical testing. Allele origin: germline.
Comment: This variant is classified as likely benign based on ACMG/AMP sequence variant interpretation guidelines (Richards et al. 2015 PMID: 25741868, with internal and published modifications).

GeneDx
Classification: Likely benign. Last evaluated: 2022-11-30. Review status: criteria provided, single submitter. Criteria: GeneDx Variant Classification Process June 2021. Collection method: clinical testing. Allele origin: germline. Affected: yes.
Comment: In silico analysis supports that this missense variant does not alter protein structure/function; Has not been previously published as pathogenic or benign to our knowledge

Quest Diagnostics Nichols Institute San Juan Capistrano
Classification: Likely benign. Last evaluated: 2022-11-17. Review status: criteria provided, single submitter. Criteria: Quest Diagnostics criteria. Collection method: clinical testing. Allele origin: unknown.

Ambry Genetics
Classification: Likely benign for Hereditary cancer-predisposing syndrome. Last evaluated: 2021-11-26. Review status: criteria provided, single submitter. Criteria: Ambry Variant Classification Scheme 2023. Collection method: clinical testing. Allele origin: germline.

Natera, Inc.
Classification: Likely benign for Bloom syndrome. Last evaluated: 2018-07-26. Review status: no assertion criteria provided. Collection method: clinical testing. Allele origin: germline. Not counted in ClinVar's aggregate classification.

NM_000057.4(BLM):c.3117A>G (p.Ile1039Met)

Gene: BLM (BLM RecQ like helicase; plus strand). Cytogenetic location: 15q26.1.
Variant type: single nucleotide variant.
Coding change: c.3117A>G on transcript NM_000057.4 (MANE Select); coding-DNA position 3117, A replaced by G.
Protein change: p.Ile1039Met; replaces isoleucine 1039 with methionine.
Molecular consequence: missense variant.
Genome position (GRCh38, 1-based): chr15:90,794,264, A>G. VCF-style: chr15-90794264-A-G. GRCh37 (hg19) VCF-style: chr15-91337494-A-G.
Other names: p.I1039M:ATA>ATG; c.3117A>G (LRG_20t1); c.3117A>G, p.Ile1039Met (NM_001287246.2, NM_001287247.2); c.1992A>G, p.Ile664Met (NM_001287248.2); short protein forms I1039M, I664M.
Identifiers: ClinVar variation 127495 (VCV000127495.19), dbSNP rs576199850, ClinGen allele CA287090.